The following is an entry in ClinVar:

NM_006231.4(POLE):c.331G>A (p.Gly111Ser)

Gene: POLE (DNA polymerase epsilon, catalytic subunit; minus strand). Cytogenetic location: 12q24.33.
Variant type: single nucleotide variant.
Coding change: c.331G>A on transcript NM_006231.4 (MANE Select); coding-DNA position 331, G replaced by A.
Protein change: p.Gly111Ser; replaces glycine 111 with serine.
Molecular consequence: missense variant.
Genome position (GRCh38, 1-based): chr12:132,680,046, C>T on the plus strand (G>A on the coding strand, the complement: POLE is on the minus strand). VCF-style: chr12-132680046-C-T. GRCh37 (hg19) VCF-style: chr12-133256632-C-T.
Other names: short protein forms G111S.
Identifiers: ClinVar variation 1962642 (VCV001962642.5), dbSNP rs761055730, ClinGen allele CA387368420.

ClinVar aggregate classification (germline): Uncertain significance (1 of 4 stars; one submission).

gnomAD v4.1: 6 of 1,613,188 alleles (0.00037%); highest among the groups gnomAD compares: Non-Finnish European, 0.00051%; no homozygotes.

Submission:

Labcorp Genetics (formerly Invitae), Labcorp
Classification: Uncertain significance. Last evaluated: 2022-02-11. Review status: criteria provided, single submitter. Criteria: Invitae Variant Classification Sherloc (09022015). Collection method: clinical testing. Allele origin: germline.
Comment: In summary, the available evidence is currently insufficient to determine the role of this variant in disease. Therefore, it has been classified as a Variant of Uncertain Significance. Algorithms developed to predict the effect of sequence changes on RNA splicing suggest that this variant may disrupt the consensus splice site. Algorithms developed to predict the effect of missense changes on protein structure and function (SIFT, PolyPhen-2, Align-GVGD) all suggest that this variant is likely to be tolerated. This variant has not been reported in the literature in individuals affected with POLE-related conditions. This variant is not present in population databases (gnomAD no frequency). This sequence change replaces glycine, which is neutral and non-polar, with serine, which is neutral and polar, at codon 111 of the POLE protein (p.Gly111Ser).